The following is an entry in ClinVar:

ClinVar aggregate classification (germline): Uncertain significance (1 of 4 stars; one submission).

Conditions:
Gastrointestinal stromal tumor. Also called: Gastrointestinal stromal tumor, somatic; Gastrointestinal stroma tumor. Identifiers: Orphanet 44890, MedGen C0238198, MeSH D046152, MONDO:0011719, OMIM 606764, HP:0100723.

Submission:

Labcorp Genetics (formerly Invitae), Labcorp
Classification: Uncertain significance for Gastrointestinal stromal tumor. Last evaluated: 2019-11-10. Review status: criteria provided, single submitter. Criteria: Invitae Variant Classification Sherloc (09022015). Collection method: clinical testing. Allele origin: germline.
Comment: In summary, the available evidence is currently insufficient to determine the role of this variant in disease. Therefore, it has been classified as a Variant of Uncertain Significance. Algorithms developed to predict the effect of missense changes on protein structure and function (SIFT, PolyPhen-2, Align-GVGD) all suggest that this variant is likely to be tolerated, but these predictions have not been confirmed by published functional studies and their clinical significance is uncertain. This variant has not been reported in the literature in individuals with KIT-related conditions. This variant is not present in population databases (ExAC no frequency). This sequence change replaces leucine with valine at codon 912 of the KIT protein (p.Leu912Val). The leucine residue is highly conserved and there is a small physicochemical difference between leucine and valine.

NM_000222.3(KIT):c.2734C>G (p.Leu912Val)

Gene: KIT (KIT proto-oncogene, receptor tyrosine kinase; plus strand). Cytogenetic location: 4q12.
Variant type: single nucleotide variant.
Coding change: c.2734C>G on transcript NM_000222.3 (MANE Select); coding-DNA position 2734, C replaced by G.
Protein change: p.Leu912Val; replaces leucine 912 with valine.
Molecular consequence: missense variant.
Genome position (GRCh38, 1-based): chr4:54,737,212, C>G. VCF-style: chr4-54737212-C-G. GRCh37 (hg19) VCF-style: chr4-55603378-C-G.
Other names: c.2722C>G, p.Leu908Val (NM_001093772.2, NM_001385292.1); c.2737C>G, p.Leu913Val (NM_001385284.1); c.2731C>G, p.Leu911Val (NM_001385285.1); c.2719C>G, p.Leu907Val (NM_001385286.1); c.2725C>G, p.Leu909Val (NM_001385288.1); c.2734C>G, p.Leu912Val (NM_001385290.1); short protein forms L908V, L912V, L907V, L909V, L911V, L913V.
Identifiers: ClinVar variation 942634 (VCV000942634.10), dbSNP rs1199268527, ClinGen allele CA356914332.